The following is an entry in ClinVar:

NM_001267550.2(TTN):c.89096_89097del (p.Thr29699fs)

Genes: TTN-AS1 (TTN antisense RNA 1; plus strand), TTN (titin; minus strand). Cytogenetic location: 2q31.2.
Variant type: Microsatellite.
Coding change: c.89096_89097del on transcript NM_001267550.2 (MANE Select); coding-DNA positions 89096 to 89097, 2 bases deleted (CA; older notation c.89096_89097delCA).
Protein change: p.Thr29699fs; shifts the reading frame from threonine 29699.
Molecular consequence: frameshift variant.
Genome position (GRCh38, 1-based): chr2:178,554,014-178,554,015, TG deleted on the plus strand (CA on the coding strand, the reverse complement: TTN is on the minus strand); deleting any 2 consecutive bases within chr2:178,554,014-178,554,017 gives the same sequence; the c. name uses the placement nearest the transcript's 3' end. VCF-style (leftmost placement, unchanged base first): chr2-178554013-CTG-C. GRCh37 (hg19) VCF-style: chr2-179418740-CTG-C.
Other names: c.84173_84174del, p.Thr28058fs (NM_001256850.1); c.61901_61902del, p.Thr20634fs (NM_003319.4); c.81392_81393del, p.Thr27131fs (NM_133378.4); c.62276_62277del, p.Thr20759fs (NM_133432.3); c.62477_62478del, p.Thr20826fs (NM_133437.4); short protein forms T27131fs, T20759fs, T20826fs, T28058fs, T29699fs, T20634fs.
Identifiers: ClinVar variation 4785234 (VCV004785234.1).
Genomic context (GRCh38, chr2:178,554,013, plus strand): 5'-AAAATGGACCCTGTCCAGCAGCGTTTACAGCACAAACTCTGTATTGATAGTCACTGTTTT[CTG>C]TGAGTCCTGTTACTTTTTGTCTGGTGTCACGGATAGTCTCTTTTAGTACTTTAAACCATC-3'

ClinVar aggregate classification (germline): Likely pathogenic (1 of 4 stars; one submission).

Conditions:
Autosomal recessive limb-girdle muscular dystrophy type 2J (LGMDR10). Also called: Limb-girdle muscular dystrophy, type 2J; MUSCULAR DYSTROPHY, LIMB-GIRDLE, AUTOSOMAL RECESSIVE 10. Identifiers: Orphanet 140922, MedGen C1837342, MONDO:0012127, OMIM 608807.
Dilated cardiomyopathy 1G (CMD1G). Identifiers: Orphanet 154, MedGen C1858763, MONDO:0011400, OMIM 604145.

Submission:

Labcorp Genetics (formerly Invitae), Labcorp
Classification: Likely pathogenic for Dilated cardiomyopathy 1G; Autosomal recessive limb-girdle muscular dystrophy type 2J. Last evaluated: 2025-10-04. Review status: criteria provided, single submitter. Criteria: Invitae Variant Classification Sherloc (09022015). Collection method: clinical testing. Allele origin: germline.
Comment: This sequence change creates a premature translational stop signal (p.Thr29699Argfs*4) in the TTN gene. While this is not anticipated to result in nonsense mediated decay, it is expected to create a truncated TTN protein. This variant is not present in population databases (gnomAD no frequency). This variant has not been reported in the literature in individuals affected with TTN-related conditions. This variant is located in the A band of TTN (PMID: 25589632). Truncating variants in this region are significantly overrepresented in patients affected with dilated cardiomyopathy (PMID: 25589632). Truncating variants in this region have also been reported in individuals affected with autosomal recessive centronuclear myopathy (PMID: 23975875). In summary, the currently available evidence indicates that the variant is pathogenic, but additional data are needed to prove that conclusively. Therefore, this variant has been classified as Likely Pathogenic.

Literature cited by the submitters: PubMed 25589632; PubMed 23975875.